The following is an entry in ClinVar:

NM_000284.4(PDHA1):c.788G>T (p.Arg263Leu)

Gene: PDHA1 (pyruvate dehydrogenase E1 subunit alpha 1; plus strand). Cytogenetic location: Xp22.12.
Variant type: single nucleotide variant.
Coding change: c.788G>T on transcript NM_000284.4 (MANE Select); coding-DNA position 788, G replaced by T.
Protein change: p.Arg263Leu; replaces arginine 263 with leucine.
Molecular consequence: missense variant.
Genome position (GRCh38, 1-based): chrX:19,355,714, G>T. VCF-style: chrX-19355714-G-T. GRCh37 (hg19) VCF-style: chrX-19373832-G-T.
Other names: c.902G>T, p.Arg301Leu (NM_001173454.2); c.809G>T, p.Arg270Leu (NM_001173455.2); c.695G>T, p.Arg232Leu (NM_001173456.2); short protein forms R232L, R263L, R301L, R270L.
Identifiers: ClinVar variation 2754877 (VCV002754877.3), dbSNP rs2063192428, ClinGen allele CA412394775.

ClinVar aggregate classification (germline): Likely pathogenic (1 of 4 stars; one submission).

Conditions:
Pyruvate dehydrogenase E1-alpha deficiency (PDHAD). Also called: ATAXIA WITH LACTIC ACIDOSIS I; ATAXIA, INTERMITTENT, WITH ABNORMAL PYRUVATE METABOLISM; ATAXIA, INTERMITTENT, WITH PYRUVATE DEHYDROGENASE DEFICIENCY; Ataxia, intermittent, with pyruvate dehydrogenase, or decarboxylase, deficiency. Identifiers: Orphanet 79243, MedGen C1839413, MONDO:0010717, OMIM 312170.

Allele frequency attached by ClinVar (database versions not stated): TOPMed 0.00001.
gnomAD v4.1: 1 of 1,209,235 alleles (0.000083%); highest among the groups gnomAD compares: Non-Finnish European, 0.00011%; no homozygotes.

Submission:

Labcorp Genetics (formerly Invitae), Labcorp
Classification: Likely pathogenic for Pyruvate dehydrogenase E1-alpha deficiency. Last evaluated: 2023-08-24. Review status: criteria provided, single submitter. Criteria: Invitae Variant Classification Sherloc (09022015). Collection method: clinical testing. Allele origin: germline.
Comment: This variant has not been reported in the literature in individuals affected with PDHA1-related conditions. This sequence change replaces arginine, which is basic and polar, with leucine, which is neutral and non-polar, at codon 263 of the PDHA1 protein (p.Arg263Leu). This variant is not present in population databases (gnomAD no frequency). Advanced modeling of protein sequence and biophysical properties (such as structural, functional, and spatial information, amino acid conservation, physicochemical variation, residue mobility, and thermodynamic stability) performed at Invitae indicates that this missense variant is expected to disrupt PDHA1 protein function. This variant disrupts the p.Arg263 amino acid residue in PDHA1. Other variant(s) that disrupt this residue have been determined to be pathogenic (PMID: 25582476, 28584645). This suggests that this residue is clinically significant, and that variants that disrupt this residue are likely to be disease-causing. In summary, the currently available evidence indicates that the variant is pathogenic, but additional data are needed to prove that conclusively. Therefore, this variant has been classified as Likely Pathogenic.

Literature cited by the submitters: PubMed 25582476; PubMed 28584645.